The following is an entry in ClinVar:

ClinVar aggregate classification (germline): Uncertain significance (1 of 4 stars; one submission).

Conditions:
Hereditary cancer-predisposing syndrome. Also called: Tumor predisposition; Neoplastic Syndromes, Hereditary; Hereditary neoplastic syndrome; Hereditary Cancer Syndrome. Identifiers: Orphanet 140162, MedGen C0027672, MeSH D009386, MONDO:0015356.

Submission:

Ambry Genetics
Classification: Uncertain significance for Hereditary cancer-predisposing syndrome. Last evaluated: 2024-08-29. Review status: criteria provided, single submitter. Criteria: Ambry Variant Classification Scheme 2023. Collection method: clinical testing. Allele origin: germline.
Comment: The c.4001_4003delGCAinsCCT variant (also known as p.S1334_R1335delinsTW), located in coding exon 32 of the TSC2 gene, results from an in-frame deletion of GCA and insertion of CCT at nucleotide positions 4001 to 4003. This results in the substitution of serine and arginine residues for a threonine and tryptophan residue at codon 1334 and 1335. This amino acid region is highly conserved in available vertebrate species. In addition, the in silico prediction for this alteration is inconclusive (Choi Y et al. PLoS ONE. 2012; 7(10):e46688). Based on the available evidence, the clinical significance of this variant remains unclear.

NM_000548.5(TSC2):c.4001_4003delinsCCT (p.Ser1334_Arg1335delinsThrTrp)

Gene: TSC2 (TSC complex subunit 2; plus strand). Cytogenetic location: 16p13.3.
Variant type: Indel.
Coding change: c.4001_4003delinsCCT on transcript NM_000548.5 (MANE Select); coding-DNA positions 4001 to 4003, GCA replaced by CCT.
Protein change: p.Ser1334_Arg1335delinsThrTrp.
Molecular consequence: missense variant. On other transcripts: non-coding transcript variant (5).
Genome position (GRCh38, 1-based): chr16:2,083,812-2,083,814, GCA replaced by CCT. VCF-style: chr16-2083812-GCA-CCT. GRCh37 (hg19) VCF-style: chr16-2133813-GCA-CCT.
Other names: c.3800_3802delinsCCT, p.Ser1267_Arg1268delinsThrTrp (NM_001077183.3); c.3932_3934delinsCCT, p.Ser1311_Arg1312delinsThrTrp (NM_001114382.3); c.3692_3694delinsCCT, p.Ser1231_Arg1232delinsThrTrp (NM_001318827.2); c.3656_3658delinsCCT, p.Ser1219_Arg1220delinsThrTrp (NM_001318829.2); c.3269_3271delinsCCT, p.Ser1090_Arg1091delinsThrTrp (NM_001318831.2); c.3833_3835delinsCCT, p.Ser1278_Arg1279delinsThrTrp (NM_001318832.2); c.3803_3805delinsCCT, p.Ser1268_Arg1269delinsThrTrp (NM_001363528.2); c.3869_3871delinsCCT, p.Ser1290_Arg1291delinsThrTrp (NM_001370404.1); and 26 more.
Identifiers: ClinVar variation 3462563 (VCV003462563.1).